The following is an entry in ClinVar:

ClinVar aggregate classification (germline): Uncertain significance (1 of 4 stars; one submission).

Conditions:
Hereditary cancer-predisposing syndrome. Also called: Neoplastic Syndromes, Hereditary; Tumor predisposition; Hereditary neoplastic syndrome; Hereditary Cancer Syndrome. Identifiers: Orphanet 140162, MedGen C0027672, MeSH D009386, MONDO:0015356.

gnomAD v4.1: 1 of 1,613,954 alleles (0.000062%); highest among the groups gnomAD compares: Non-Finnish European, 0.000085%; no homozygotes.

Submission:

Ambry Genetics
Classification: Uncertain significance for Hereditary cancer-predisposing syndrome. Last evaluated: 2025-10-25. Review status: criteria provided, single submitter. Criteria: Ambry Variant Classification Scheme 2023. Collection method: clinical testing. Allele origin: germline.
Comment: The p.N1096I variant (also known as c.3287A>T), located in coding exon 12 of the PALB2 gene, results from an A to T substitution at nucleotide position 3287. The asparagine at codon 1096 is replaced by isoleucine, an amino acid with dissimilar properties. This amino acid position is conserved. In addition, the in silico prediction for this alteration is inconclusive. Since supporting evidence is limited at this time, the clinical significance of this alteration remains unclear.

NM_024675.4(PALB2):c.3287A>T (p.Asn1096Ile)

Gene: PALB2 (partner and localizer of BRCA2; minus strand). Cytogenetic location: 16p12.2.
Variant type: single nucleotide variant.
Coding change: c.3287A>T on transcript NM_024675.4 (MANE Select); coding-DNA position 3287, A replaced by T.
Protein change: p.Asn1096Ile; replaces asparagine 1096 with isoleucine.
Molecular consequence: missense variant. On other transcripts: intron variant (8).
Genome position (GRCh38, 1-based): chr16:23,607,927, T>A on the plus strand (A>T on the coding strand, the complement: PALB2 is on the minus strand). VCF-style: chr16-23607927-T-A. GRCh37 (hg19) VCF-style: chr16-23619248-T-A.
Other names: c.3227A>T, p.Asn1076Ile (NM_001407296.1); c.3215A>T, p.Asn1072Ile (NM_001407297.1); c.3125A>T, p.Asn1042Ile (NM_001407298.1); c.3008A>T, p.Asn1003Ile (NM_001407300.1); c.2402A>T, p.Asn801Ile (NM_001407304.1, NM_001407305.1, NM_001407306.1); c.2240A>T, p.Asn747Ile (NM_001407307.1); c.1499A>T, p.Asn500Ile (NM_001407312.1); c.821A>T, p.Asn274Ile (NM_001407314.1); and 6 more; short protein forms N1003I, N1042I, N1072I, N1076I, N1096I, N274I, N500I, N747I.
Identifiers: ClinVar variation 3228029 (VCV003228029.2), dbSNP rs786201142, ClinGen allele CA395139572.